The following is an entry in ClinVar:

NM_000321.3(RB1):c.925A>G (p.Asn309Asp)

Gene: RB1 (RB transcriptional corepressor 1; plus strand). Cytogenetic location: 13q14.2.
Variant type: single nucleotide variant.
Coding change: c.925A>G on transcript NM_000321.3 (MANE Select); coding-DNA position 925, A replaced by G.
Protein change: p.Asn309Asp; replaces asparagine 309 with aspartic acid.
Molecular consequence: missense variant.
Genome position (GRCh38, 1-based): chr13:48,364,957, A>G. VCF-style: chr13-48364957-A-G. GRCh37 (hg19) VCF-style: chr13-48939093-A-G.
Other names: c.925A>G, p.Asn309Asp (NM_001407165.1, NM_001407166.1); short protein forms N309D.
Identifiers: ClinVar variation 1766356 (VCV001766356.6), dbSNP rs1328571912, ClinGen allele CA388160055.

ClinVar aggregate classification (germline): Conflicting classifications of pathogenicity. Review status: criteria provided, conflicting classifications (1 of 4 stars). 2 submissions from 2 submitters: Uncertain significance (1); Likely benign (1). Last evaluated 2025-02-25.

Conditions:
Hereditary cancer-predisposing syndrome. Also called: Hereditary Cancer Syndrome; Hereditary neoplastic syndrome; Neoplastic Syndromes, Hereditary; Tumor predisposition. Identifiers: Orphanet 140162, MedGen C0027672, MeSH D009386, MONDO:0015356.
Retinoblastoma (RB1). Also called: RETINOBLASTOMA, SOMATIC. Identifiers: Orphanet 790, MedGen C0035335, MeSH D012175, MONDO:0008380, OMIM 180200, HP:0009919. Disease mechanism: loss of function. Inheritance: Both sporadic and heritable forms are tested..

Allele frequency attached by ClinVar (database versions not stated): TOPMed below 0.00001.
gnomAD v4.1: 1 of 1,571,896 alleles (0.000064%); no homozygotes.

Submissions (2):

Ambry Genetics
Classification: Uncertain significance for Hereditary cancer-predisposing syndrome. Last evaluated: 2025-02-25. Review status: criteria provided, single submitter. Criteria: Ambry Variant Classification Scheme 2023. Collection method: clinical testing. Allele origin: germline.
Comment: The p.N309D variant (also known as c.925A>G), located in coding exon 9 of the RB1 gene, results from an A to G substitution at nucleotide position 925. The asparagine at codon 309 is replaced by aspartic acid, an amino acid with highly similar properties. This amino acid position is well conserved in available vertebrate species. In addition, this alteration is predicted to be tolerated by in silico analysis. Based on the available evidence, the clinical significance of this variant remains unclear.

Labcorp Genetics (formerly Invitae), Labcorp
Classification: Likely benign for Retinoblastoma. Last evaluated: 2023-10-29. Review status: criteria provided, single submitter. Criteria: Invitae Variant Classification Sherloc (09022015). Collection method: clinical testing. Allele origin: germline.